The following is an entry in ClinVar:

NM_018063.5(HELLS):c.1622G>A (p.Arg541Gln)

Gene: HELLS (helicase, lymphoid specific; plus strand). Cytogenetic location: 10q23.33.
Variant type: single nucleotide variant.
Coding change: c.1622G>A on transcript NM_018063.5 (MANE Select); coding-DNA position 1622, G replaced by A.
Protein change: p.Arg541Gln; replaces arginine 541 with glutamine.
Molecular consequence: missense variant.
Genome position (GRCh38, 1-based): chr10:94,590,546, G>A. VCF-style: chr10-94590546-G-A. GRCh37 (hg19) VCF-style: chr10-96350303-G-A.
Other names: c.1760G>A, p.Arg587Gln (NM_001289067.2); c.1574G>A, p.Arg525Gln (NM_001289068.2); c.1526G>A, p.Arg509Gln (NM_001289069.2); c.1328G>A, p.Arg443Gln (NM_001289070.2); c.1250G>A, p.Arg417Gln (NM_001289071.2); c.1232G>A, p.Arg411Gln (NM_001289072.2); c.1208G>A, p.Arg403Gln (NM_001289073.2); c.539G>A, p.Arg180Gln (NM_001289074.2); and 2 more; short protein forms R180Q, R417Q, R135Q, R403Q, R541Q, R587Q, R411Q, R443Q.
Identifiers: ClinVar variation 2149544 (VCV002149544.4), dbSNP rs771870783, ClinGen allele CA5615545.

ClinVar aggregate classification (germline): Uncertain significance. Review status: criteria provided, multiple submitters, no conflicts (2 of 4 stars). 2 submissions from 2 submitters: Uncertain significance (2). Last evaluated 2025-03-24.

Conditions:
Inborn genetic diseases. Identifiers: MedGen C0950123, MeSH D030342.

Allele frequency attached by ClinVar (database versions not stated): TOPMed 0.00002; gnomAD 0.00003; gnomAD exomes 0.00001; ExAC 0.00002.

Submissions (2):

Ambry Genetics
Classification: Uncertain significance for Inborn genetic diseases. Last evaluated: 2025-03-24. Review status: criteria provided, single submitter. Criteria: Ambry Variant Classification Scheme 2023. Collection method: clinical testing. Allele origin: germline.

Labcorp Genetics (formerly Invitae), Labcorp
Classification: Uncertain significance. Last evaluated: 2022-08-19. Review status: criteria provided, single submitter. Criteria: Invitae Variant Classification Sherloc (09022015). Collection method: clinical testing. Allele origin: germline.
Comment: This sequence change replaces arginine, which is basic and polar, with glutamine, which is neutral and polar, at codon 541 of the HELLS protein (p.Arg541Gln). In summary, the available evidence is currently insufficient to determine the role of this variant in disease. Therefore, it has been classified as a Variant of Uncertain Significance. Algorithms developed to predict the effect of missense changes on protein structure and function output the following: SIFT: "Tolerated"; PolyPhen-2: "Benign"; Align-GVGD: "Class C0". The glutamine amino acid residue is found in multiple mammalian species, which suggests that this missense change does not adversely affect protein function. This variant has not been reported in the literature in individuals affected with HELLS-related conditions. This variant is present in population databases (rs771870783, gnomAD 0.006%).